The following is an entry in ClinVar:

ClinVar aggregate classification (germline): Pathogenic (1 of 4 stars; one submission).

Conditions:
Myofibrillar myopathy 6. Identifiers: Orphanet 199340, MedGen C2751831, MONDO:0013061, OMIM 612954.
Dilated cardiomyopathy 1HH (CMD1HH). Identifiers: Orphanet 154, MedGen C3151293, MONDO:0013479, OMIM 613881.

Submission:

Labcorp Genetics (formerly Invitae), Labcorp
Classification: Pathogenic for Dilated cardiomyopathy 1HH; Myofibrillar myopathy 6. Last evaluated: 2023-12-16. Review status: criteria provided, single submitter. Criteria: Invitae Variant Classification Sherloc (09022015). Collection method: clinical testing. Allele origin: unknown.
Comment: This variant is a gross deletion of the genomic region encompassing exon(s) 2-4 of the BAG3 gene, which includes the termination codon. This deletion extends beyond the assayed region for this gene and therefore may encompass additional genes. While this deletion is not anticipated to lead to nonsense mediated decay, it is expected to alter mRNA translation or result in a truncated protein product. A similar copy number variant has been observed in individual(s) with dilated cardiomyopathy (PMID: 34363016). This variant disrupts a region of the BAG3 protein in which other variant(s) (p.Glu455Lys) have been determined to be pathogenic (PMID: 21459883). This suggests that this is a clinically significant region of the protein, and that variants that disrupt it are likely to be disease-causing. For these reasons, this variant has been classified as Pathogenic.

Literature cited by the submitters: PubMed 34363016; PubMed 21459883.

NC_000010.10:g.(?_121429343)_(121436794_?)del

Gene: BAG3 (BAG cochaperone 3; plus strand). Cytogenetic location: 10q26.11.
Variant type: Deletion.
Identifiers: ClinVar variation 3244898 (VCV003244898.1).